The following is an entry in ClinVar:

ClinVar aggregate classification (germline): Uncertain significance (1 of 4 stars; one submission).

Conditions:
Inborn genetic diseases. Identifiers: MedGen C0950123, MeSH D030342.

Submission:

Ambry Genetics
Classification: Uncertain significance for Inborn genetic diseases. Last evaluated: 2026-08-09. Review status: criteria provided, single submitter. Criteria: Ambry Variant Classification Scheme 2023. Collection method: clinical testing. Allele origin: germline.
Comment: The p.L773I variant (also known as c.2317C>A), located in coding exon 18 of the BUB1B gene, results from a C to A substitution at nucleotide position 2317. The leucine at codon 773 is replaced by isoleucine, an amino acid with highly similar properties. This amino acid position is conserved. In addition, this alteration is predicted to be tolerated by in silico analysis. Based on the available evidence, the clinical significance of this variant remains unclear.

NM_001211.6(BUB1B):c.2317C>A (p.Leu773Ile)

Gene: BUB1B (BUB1 mitotic checkpoint serine/threonine kinase B; plus strand). Cytogenetic location: 15q15.1.
Variant type: single nucleotide variant.
Coding change: c.2317C>A on transcript NM_001211.6 (MANE Select); coding-DNA position 2317, C replaced by A.
Protein change: p.Leu773Ile; replaces leucine 773 with isoleucine.
Molecular consequence: missense variant.
Genome position (GRCh38, 1-based): chr15:40,210,142, C>A. VCF-style: chr15-40210142-C-A. GRCh37 (hg19) VCF-style: chr15-40502343-C-A.
Other names: short protein forms L773I.
Identifiers: ClinVar variation 5033532 (VCV005033532.1).